The following is an entry in ClinVar:

NM_020778.4(ALPK3):c.393dupG

Gene: ALPK3 (alpha kinase 3; plus strand). Cytogenetic location: 15q25.3.
Variant type: Duplication.
Coding change: c.393dupG on transcript NM_020778.4; coding-DNA position 393, one base duplicated (G).
Molecular consequence: frameshift variant.
Genome position (GRCh38, 1-based): chr15:84,817,239, G duplicated. VCF-style (leftmost placement, unchanged base first): chr15-84817238-C-CG. GRCh37 (hg19) VCF-style: chr15-85360469-C-CG.
Identifiers: ClinVar variation 1195678 (VCV001195678.11), dbSNP rs949029471, ClinGen allele CA273650953.

ClinVar aggregate classification (germline): Uncertain significance. Review status: criteria provided, multiple submitters, no conflicts (2 of 4 stars). 3 submissions from 3 submitters: Uncertain significance (3). Last evaluated 2025-11-17.

Conditions:
Cardiovascular phenotype. Identifiers: MedGen CN230736.

Allele frequency attached by ClinVar (database versions not stated): TOPMed 0.00003; gnomAD exomes below 0.00001; gnomAD 0.00001 and 0.00002.

Submissions (3):

Labcorp Genetics (formerly Invitae), Labcorp
Classification: Uncertain significance. Last evaluated: 2025-11-17. Review status: criteria provided, single submitter. Criteria: Invitae Variant Classification Sherloc (09022015). Collection method: clinical testing. Allele origin: germline.
Comment: This sequence change creates a premature translational stop signal (p.Pro132Alafs*32) in the ALPK3 gene. It is unclear whether it will result in an absent or disrupted protein product because an in-frame methionine located at codon 203 has the potential to rescue this truncating variant. This variant is not present in population databases (gnomAD no frequency). This variant has not been reported in the literature in individuals affected with ALPK3-related conditions. ClinVar contains an entry for this variant (Variation ID: 1195678). In summary, the available evidence is currently insufficient to determine the role of this variant in disease. Therefore, it has been classified as a Variant of Uncertain Significance.

GeneDx
Classification: Uncertain significance. Last evaluated: 2020-03-16. Review status: criteria provided, single submitter. Criteria: GeneDx Variant Classification Process June 2021. Collection method: clinical testing. Allele origin: germline. Affected: yes.
Comment: Has not been previously published as pathogenic or benign to our knowledge; Not observed in large population cohorts (Lek et al., 2016); Frameshift variant predicted to result in protein truncation or nonsense mediated decay; however, there is uncertainty regarding the physiological consequence of truncating variants in exon 1 of the ALPK3 gene, as multiple truncating variants in this exon are present at a higher frequency in the general population than would be expected (Stenson et al., 2014; Lek et al., 2016)

Ambry Genetics
Classification: Uncertain significance for Cardiovascular phenotype. Last evaluated: 2019-07-11. Review status: criteria provided, single submitter. Criteria: Ambry Variant Classification Scheme 2023. Collection method: clinical testing. Allele origin: germline.
Comment: The c.393dupG variant, located in coding exon 1 of the ALPK3 gene, results from a duplication of G at nucleotide position 393, causing a translational frameshift with a predicted alternate stop codon (p.P132Afs*32). This alteration is expected to result in loss of function by premature protein truncation or nonsense-mediated mRNA decay. However, based on data from gnomAD, several loss of function alterations in the first exon of ALPK3 (p.C64* and p.E148Qfs*8) are too frequent to cause disease given the incidence of pediatric cardiomyopathy. The abundance of nonsense and frameshift alleles in the first exon in population databases brings into question the pathogenicity of loss of function alterations in N-terminus of ALPK3 and suggests the possibility of an alternative start site. Since supporting evidence is limited at this time, the clinical significance of this alteration remains unclear.